The following is an entry in ClinVar:

ClinVar aggregate classification (germline): Likely pathogenic. Review status: criteria provided, single submitter (1 of 4 stars). 2 submissions from 2 submitters: Likely pathogenic (1). 1 of the submissions does not count toward it. Last evaluated 2021-03-01.

Conditions:
Marfan syndrome (MFS). Also called: Marfan syndrome type 1; Marfan syndrome, classic; Marfan's syndrome; FBN1-Related Marfan Syndrome; MARFAN SYNDROME, TYPE I. Identifiers: Orphanet 284963, Orphanet 558, MedGen C0024796, MONDO:0007947, OMIM 154700.

Submissions (2):

Centre of Medical Genetics, University of Antwerp
Classification: Likely pathogenic for Marfan syndrome. Last evaluated: 2021-03-01. Review status: criteria provided, single submitter. Criteria: Submitter's publication. Collection method: research. Allele origin: unknown. Affected: yes.
Comment: PM2, PS7, PP4

Center for Medical Genetics Ghent, University of Ghent
Classification: Likely pathogenic for Marfan syndrome. Last evaluated: 2017-11-07. Review status: no assertion criteria provided. Collection method: clinical testing. Allele origin: germline. Affected: yes. Not counted in ClinVar's aggregate classification.

NM_000138.5(FBN1):c.4460-1G>C

Gene: FBN1 (fibrillin 1; minus strand). Cytogenetic location: 15q21.1.
Variant type: single nucleotide variant.
Coding change: c.4460-1G>C on transcript NM_000138.5 (MANE Select); the canonical splice acceptor site of the intron before coding-DNA position 4460, G replaced by C.
Molecular consequence: splice acceptor variant.
Genome position (GRCh38, 1-based): chr15:48,468,535, C>G on the plus strand (G>C on the coding strand, the complement: FBN1 is on the minus strand). VCF-style: chr15-48468535-C-G. GRCh37 (hg19) VCF-style: chr15-48760732-C-G.
Other names: c.4460-1G>C (NM_001406716.1).
Identifiers: ClinVar variation 549233 (VCV000549233.18), dbSNP rs113082854, ClinGen allele CA269552490.
Genomic context (GRCh38, chr15:48,468,535, plus strand): 5'-CTGGAGTGTTGACACAGTTCCCACTGATGCACGTGGTTGGATCCAGGCATTCATTCACAT[C>G]TAAAACCGAACAGTGAGTAGTGGAGTTATCACCTGAGCCAGTGTAGGCAGACATCACCAT-3'